The following is an entry in ClinVar:

ClinVar aggregate classification (germline): Benign/Likely benign. Review status: criteria provided, multiple submitters, no conflicts (2 of 4 stars). 4 submissions from 4 submitters: Benign (1); Likely benign (2). 1 of the submissions does not count toward it. Last evaluated 2025-02-20.

Conditions:
TRAIP-related disorder. Also called: TRAIP-related condition.

Allele frequency attached by ClinVar (database versions not stated): TOPMed 0.00003; gnomAD 0.00012; gnomAD exomes 0.00021; ExAC 0.00048; 1000 Genomes Project 30x 0.00094; 1000 Genomes Project 0.00100.
gnomAD v4.1: 317 of 1,614,006 alleles (0.02%); highest among the groups gnomAD compares: South Asian, 0.32%; 2 homozygotes.

Submissions (4):

Labcorp Genetics (formerly Invitae), Labcorp
Classification: Benign. Last evaluated: 2025-02-20. Review status: criteria provided, single submitter. Criteria: Invitae Variant Classification Sherloc (09022015). Collection method: clinical testing. Allele origin: germline.

Blueprint Genetics
Classification: Likely benign. Last evaluated: 2024-08-12. Review status: criteria provided, single submitter. Criteria: ACMG Guidelines, 2015. Collection method: clinical testing. Allele origin: germline.

CeGaT Center for Human Genetics Tuebingen
Classification: Likely benign. Last evaluated: 2022-08-01. Review status: criteria provided, single submitter. Criteria: CeGaT Center For Human Genetics Tuebingen Variant Classification Criteria Version 2. Collection method: clinical testing. Allele origin: germline. Affected: yes. Observed: 1 variant allele.
Comment: TRAIP: BP4, BP7

PreventionGenetics, part of Exact Sciences
Classification: Likely benign for TRAIP-related condition. Last evaluated: 2019-07-01. Review status: no assertion criteria provided. Collection method: clinical testing. Allele origin: germline. Not counted in ClinVar's aggregate classification.
Comment: This variant is classified as likely benign based on ACMG/AMP sequence variant interpretation guidelines (Richards et al. 2015 PMID: 25741868, with internal and published modifications).

NM_005879.3(TRAIP):c.624C>T (p.Tyr208=)

Gene: TRAIP (TRAF interacting protein; minus strand). Cytogenetic location: 3p21.31.
Variant type: single nucleotide variant.
Coding change: c.624C>T on transcript NM_005879.3 (MANE Select); coding-DNA position 624, C replaced by T.
Protein change: p.Tyr208=; no amino-acid change (tyrosine 208 retained).
Molecular consequence: synonymous variant.
Genome position (GRCh38, 1-based): chr3:49,841,066, G>A on the plus strand (C>T on the coding strand, the complement: TRAIP is on the minus strand). VCF-style: chr3-49841066-G-A. GRCh37 (hg19) VCF-style: chr3-49878499-G-A.
Other names: c.624C>T (NM_005879.2).
Identifiers: ClinVar variation 2163298 (VCV002163298.30), dbSNP rs529438671, ClinGen allele CA2407744.
Genomic context (GRCh38, chr3:49,841,066, plus strand): 5'-ATCCTTCCTCAGCTTGTCAGCCACCTCCCCTGAGGCCTTCCGTGCCTCTTTTAGATTCTC[G>A]TACTCTCTGCAATGTGGCCATGGAAAGAGATGCCAGAAAAGAACACCTGCAGGTCAGACT-3'
Protein context (NP_005870.2, residues 198-218): AVYCVSLKKE[Tyr208=]ENLKEARKAS